The following is an entry in ClinVar:

ClinVar aggregate classification (germline): Likely benign. Review status: criteria provided, multiple submitters, no conflicts (2 of 4 stars). 2 submissions from 2 submitters: Likely benign (2). Last evaluated 2025-08-01.

Conditions:
Methylmalonic acidemia with homocystinuria, type cblX (MAHCX). Also called: INTELLECTUAL DEVELOPMENTAL DISORDER, X-LINKED 3. Identifiers: Orphanet 369962, MedGen C0796208, MONDO:0010657, OMIM 309541.

Allele frequency attached by ClinVar (database versions not stated): ExAC 0.00001; gnomAD 0.00002; gnomAD exomes 0.00002; TOPMed 0.00003.

Submissions (2):

CeGaT Center for Human Genetics Tuebingen
Classification: Likely benign. Last evaluated: 2025-08-01. Review status: criteria provided, single submitter. Criteria: CeGaT Center For Human Genetics Tuebingen Variant Classification Criteria Version 2. Collection method: clinical testing. Allele origin: germline. Affected: yes. Observed: 2 variant alleles.
Comment: HCFC1: BP4, BS2

Labcorp Genetics (formerly Invitae), Labcorp
Classification: Likely benign for Methylmalonic acidemia with homocystinuria, type cblX. Last evaluated: 2023-08-29. Review status: criteria provided, single submitter. Criteria: Invitae Variant Classification Sherloc (09022015). Collection method: clinical testing. Allele origin: germline.

NM_005334.3(HCFC1):c.4129C>T (p.Leu1377Phe)

Gene: HCFC1 (host cell factor C1; minus strand). Cytogenetic location: Xq28.
Variant type: single nucleotide variant.
Coding change: c.4129C>T on transcript NM_005334.3 (MANE Select); coding-DNA position 4129, C replaced by T.
Protein change: p.Leu1377Phe; replaces leucine 1377 with phenylalanine.
Molecular consequence: missense variant.
Genome position (GRCh38, 1-based): chrX:153,954,270, G>A on the plus strand (C>T on the coding strand, the complement: HCFC1 is on the minus strand). VCF-style: chrX-153954270-G-A. GRCh37 (hg19) VCF-style: chrX-153219721-G-A.
Other names: c.4129C>T, p.Leu1377Phe (NM_001410705.1); short protein forms L1377F.
Identifiers: ClinVar variation 2661767 (VCV002661767.27), dbSNP rs782569675, ClinGen allele CA10557069.
Genomic context (GRCh38, chrX:153,954,270, plus strand): 5'-GTGCCGCCGCCACCTCTAGGCCAGACTCCACGGTCCTGTGGGAAGAAGTGGCGTCGGGAA[G>A]CAGGGCACCCACGCTGACCGACATGGTGGTGCCAGTGGAAGTGGTCTGGTGTGTCTCACA-3'
Protein context (NP_005325.2, residues 1367-1387): TTMSVSVGAL[Leu1377Phe]PDATSSHRTV